The following is an entry in ClinVar:

NM_003611.3(OFD1):c.1172C>T (p.Ser391Leu)

Gene: OFD1 (OFD1 centriole and centriolar satellite protein; plus strand). Cytogenetic location: Xp22.2.
Variant type: single nucleotide variant.
Coding change: c.1172C>T on transcript NM_003611.3 (MANE Select); coding-DNA position 1172, C replaced by T.
Protein change: p.Ser391Leu; replaces serine 391 with leucine.
Molecular consequence: missense variant.
Genome position (GRCh38, 1-based): chrX:13,755,193, C>T. VCF-style: chrX-13755193-C-T. GRCh37 (hg19) VCF-style: chrX-13773312-C-T.
Other names: c.1052C>T, p.Ser351Leu (NM_001330209.2); c.752C>T, p.Ser251Leu (NM_001330210.2); c.1172C>T (NM_003611.2); short protein forms S351L, S251L, S391L.
Identifiers: ClinVar variation 2153359 (VCV002153359.7), dbSNP rs1376766768, ClinGen allele CA412342359.
Genomic context (GRCh38, chrX:13,755,193, plus strand): 5'-GGTGGGCTCTTTTTTCAGAAAAAGCTGTTCATTTGCAAGAGGAGCTCATAGCTATTAATT[C>T]AAAAAAGGAGGAACTCAATCAATCTGTAAATCGTGTGAAAGAACTTGAGGTAATTGTTAA-3'
Protein context (NP_003602.1, residues 381-401): HLQEELIAIN[Ser391Leu]KKEELNQSVN

ClinVar aggregate classification (germline): Uncertain significance. Review status: criteria provided, multiple submitters, no conflicts (2 of 4 stars). 4 submissions from 4 submitters: Uncertain significance (4). Last evaluated 2025-09-06.

Conditions:
Primary ciliary dyskinesia. Also called: Ciliary dyskinesia. Identifiers: Orphanet 244, MedGen C0008780, MONDO:0016575, HP:0012265.
Orofaciodigital syndrome I (OFD1). Also called: OFDS I; Oral-Facial-Digital Syndrome Type I; Papillon-Leage and Psaume Syndrome. Identifiers: Orphanet 2750, MedGen C1510460, MONDO:0010702, OMIM 311200.
Joubert syndrome. Also called: JOUBERT-BOLTSHAUSER SYNDROME; Familial aplasia of the vermis. Identifiers: Orphanet 475, MedGen C5979921, MONDO:0018772.
Simpson-Golabi-Behmel syndrome type 2. Identifiers: Orphanet 79022, MedGen C1846175, MONDO:0010265, OMIM 300209.
Joubert syndrome 10 (JBTS10). Identifiers: Orphanet 2754, MedGen C2749019, MONDO:0010431, OMIM 300804.
Retinitis pigmentosa 23 (RP23). Identifiers: Orphanet 791, MedGen C1419610, MONDO:0010320, OMIM 300424.

Allele frequency attached by ClinVar (database versions not stated): TOPMed 0.00001; gnomAD exomes 0.00004.
gnomAD v4.1: 38 of 1,205,529 alleles (0.0032%); highest among the groups gnomAD compares: Non-Finnish European, 0.0042%; no homozygotes.

Submissions (4):

Labcorp Genetics (formerly Invitae), Labcorp
Classification: Uncertain significance for Orofaciodigital syndrome I; Joubert syndrome. Last evaluated: 2025-09-06. Review status: criteria provided, single submitter. Criteria: Invitae Variant Classification Sherloc (09022015). Collection method: clinical testing. Allele origin: germline.
Comment: This sequence change replaces serine, which is neutral and polar, with leucine, which is neutral and non-polar, at codon 391 of the OFD1 protein (p.Ser391Leu). This variant is present in population databases (no rsID available, gnomAD 0.001%). This variant has not been reported in the literature in individuals affected with OFD1-related conditions. ClinVar contains an entry for this variant (Variation ID: 2153359). Invitae Evidence Modeling of protein sequence and biophysical properties (such as structural, functional, and spatial information, amino acid conservation, physicochemical variation, residue mobility, and thermodynamic stability) indicates that this missense variant is not expected to disrupt OFD1 protein function with a negative predictive value of 80%. In summary, the available evidence is currently insufficient to determine the role of this variant in disease. Therefore, it has been classified as a Variant of Uncertain Significance.

Blueprint Genetics
Classification: Uncertain significance. Last evaluated: 2024-06-27. Review status: criteria provided, single submitter. Criteria: ACMG Guidelines, 2015. Collection method: clinical testing. Allele origin: germline.

Fulgent Genetics
Classification: Uncertain significance for Simpson-Golabi-Behmel syndrome type 2; Retinitis pigmentosa 23; Joubert syndrome 10; Orofaciodigital syndrome I. Last evaluated: 2024-01-02. Review status: criteria provided, single submitter. Criteria: ACMG Guidelines, 2015. Collection method: clinical testing. Allele origin: germline.

Ambry Genetics
Classification: Uncertain significance for Primary ciliary dyskinesia. Last evaluated: 2023-07-27. Review status: criteria provided, single submitter. Criteria: Ambry Variant Classification Scheme 2023. Collection method: clinical testing. Allele origin: germline.
Comment: The p.S391L variant (also known as c.1172C>T), located in coding exon 12 of the OFD1 gene, results from a C to T substitution at nucleotide position 1172. The serine at codon 391 is replaced by leucine, an amino acid with dissimilar properties. This amino acid position is conserved. In addition, the in silico prediction for this alteration is inconclusive. Since supporting evidence is limited at this time, the clinical significance of this alteration remains unclear.